The following is an entry in ClinVar:

NM_000540.3(RYR1):c.5503G>A (p.Glu1835Lys)

Gene: RYR1 (ryanodine receptor 1; plus strand). Cytogenetic location: 19q13.2.
Variant type: single nucleotide variant.
Coding change: c.5503G>A on transcript NM_000540.3 (MANE Select); coding-DNA position 5503, G replaced by A.
Protein change: p.Glu1835Lys; replaces glutamic acid 1835 with lysine.
Molecular consequence: missense variant.
Genome position (GRCh38, 1-based): chr19:38,486,158, G>A. VCF-style: chr19-38486158-G-A. GRCh37 (hg19) VCF-style: chr19-38976798-G-A.
Other names: c.5503G>A, p.Glu1835Lys (NM_001042723.2); short protein forms E1835K.
Identifiers: ClinVar variation 638383 (VCV000638383.7), dbSNP rs1600773722, ClinGen allele CA405655793.

ClinVar aggregate classification (germline): Uncertain significance. Review status: criteria provided, multiple submitters, no conflicts (2 of 4 stars). 4 submissions from 4 submitters: Uncertain significance (4). Last evaluated 2025-06-08.

Conditions:
Malignant hyperthermia, susceptibility to, 1 (MHS1). Also called: Malignant hyperthermia suceptibility 1; RYR1-Related Malignant Hyperthermia Susceptibility; Anesthesia related hyperthermia; Malignant hyperpyrexia; Fulminating hyperpyrexia; Pharmacogenic myopathy. Identifiers: Orphanet 423, MedGen C2930980, MONDO:0007783, OMIM 145600.
RYR1-related disorder. Also called: RYR1-related condition; RYR1-related disorders. Identifiers: MedGen CN239331.

Allele frequency attached by ClinVar (database versions not stated): gnomAD exomes below 0.00001.
gnomAD v4.1: 2 of 1,613,096 alleles (0.00012%); highest among the groups gnomAD compares: Non-Finnish European, 0.00017%; no homozygotes.

Submissions (4):

PreventionGenetics, part of Exact Sciences
Classification: Uncertain significance for RYR1-related condition. Last evaluated: 2025-06-08. Review status: criteria provided, single submitter. Criteria: ACMG Guidelines, 2015. Collection method: clinical testing. Allele origin: germline.
Comment: The RYR1 c.5503G>A variant is predicted to result in the amino acid substitution p.Glu1835Lys. To our knowledge, this variant has not been reported in the literature or in a large population database (gnomAD), indicating this variant is rare. At this time, the clinical significance of this variant is uncertain due to the absence of conclusive functional and genetic evidence.

All of Us Research Program, National Institutes of Health
Classification: Uncertain significance for Malignant hyperthermia, susceptibility to, 1. Last evaluated: 2024-07-20. Review status: criteria provided, single submitter. Criteria: ACMG Guidelines, 2015. Collection method: clinical testing. Allele origin: germline. Inheritance: Autosomal dominant inheritance. Observed: 1 variant allele, 1 heterozygote.
Comment: This missense variant replaces glutamic acid with lysine at codon 1835 of the RYR1 protein. Computational prediction suggests that this variant may have deleterious impact on protein structure and function (internally defined REVEL score threshold >= 0.7, PMID: 27666373). To our knowledge, functional studies have not been reported for this variant. This variant has not been reported in individuals affected with RYR1-related disorders in the literature. This variant has not been identified in the general population by the Genome Aggregation Database (gnomAD). The available evidence is insufficient to determine the role of this variant in disease conclusively. Therefore, this variant is classified as a Variant of Uncertain Significance.

This study involves interpretation of variants in research participants for the purpose of population health screening. Participant phenotype was not available at the time of variant classification. Additional details can be found in publication PMID: 35346344, PMCID: PMC8962531

Revvity Omics, Revvity
Classification: Uncertain significance. Last evaluated: 2023-02-06. Review status: criteria provided, single submitter. Criteria: ACMG Guidelines, 2015. Collection method: clinical testing. Allele origin: germline.

Genomic Research Center, Shahid Beheshti University of Medical Sciences
Classification: Uncertain significance for RYR1-Related Disorders. Last evaluated: 2019-04-27. Review status: criteria provided, single submitter. Criteria: ACMG Guidelines, 2015. Collection method: clinical testing. Allele origin: unknown. Affected: yes.